The following is an entry in ClinVar:

ClinVar aggregate classification (germline): Likely pathogenic (1 of 4 stars; one submission).

Conditions:
X-linked agammaglobulinemia (XLA). Also called: Bruton's agammaglobulinemia; AGAMMAGLOBULINEMIA, X-LINKED, TYPE 1; Bruton-type agammaglobulinemia; Agammaglobulinemia, Bruton tyrosine kinase; Agammaglobulinemia, BTK; BTK-deficiency. Identifiers: Orphanet 229717, Orphanet 47, MedGen C0221026, MONDO:0010421, OMIM 300755.

Submission:

3billion
Classification: Likely pathogenic for X-linked agammaglobulinemia. Last evaluated: 2025-07-22. Review status: criteria provided, single submitter. Criteria: ACMG Guidelines, 2015. Collection method: clinical testing. Allele origin: germline. Affected: yes.
Comment: The variant is not observed in the gnomAD v4.1.0 dataset. Predicted Consequence/Location: Missense variant In silico tool predictions suggest damaging effect of the variant on gene or gene product [REVEL: 0.96 (>=0.6, sensitivity 0.68 and specificity 0.92); 3Cnet: 0.81 (> 0.75, sensitivity 0.96 and precision 0.92)]. The different nucleotide change resulting in the same amino acid change has been previously reported to be associated with BTK-related disorder(ClinVar ID: VCV001519488 /PMID: 33815962). The variant has been observed in at least two similarly affected unrelated individuals (PMID: 26931785, 33815962). Different missense changes at the same codon (p.Asp521Asn, p.Asp521Gly, p.Asp521His, p.Asp521Val) have been reported to be associated with BTK-related disorder (PMID: 15821893, 24139496, 8695804, 9445504, None). Therefore, this variant is classified as Likely pathogenic according to the recommendation of ACMG/AMP guideline.

Literature cited by the submitters: PubMed 33815962; PubMed 26931785; PubMed 15821893.

NM_000061.3(BTK):c.1563C>A (p.Asp521Glu)

Gene: BTK (Bruton tyrosine kinase; minus strand). Cytogenetic location: Xq22.1.
Variant type: single nucleotide variant.
Coding change: c.1563C>A on transcript NM_000061.3 (MANE Select); coding-DNA position 1563, C replaced by A.
Protein change: p.Asp521Glu; replaces aspartic acid 521 with glutamic acid.
Molecular consequence: missense variant. On other transcripts: intron variant (1).
Genome position (GRCh38, 1-based): chrX:101,356,055, G>T on the plus strand (C>A on the coding strand, the complement: BTK is on the minus strand). VCF-style: chrX-101356055-G-T. GRCh37 (hg19) VCF-style: chrX-100611043-G-T.
Other names: c.1665C>A, p.Asp555Glu (NM_001287344.2); c.1039-1361C>A (NM_001287345.2); short protein forms D521E, D555E.
Identifiers: ClinVar variation 4854933 (VCV004854933.1).
Genomic context (GRCh38, chrX:101,356,055, plus strand): 5'-ACTGCTACTTCCACCCCATCAGCCCTTTGTCCTAGGCCAATCCTTCTAAGGTCCCACCAG[G>T]TCTCGGTGAAGGAACTGCTTTGACTCCAGGTATTCCATGGCTTCACAGACATCCTTGCAC-3'
Protein context (NP_000052.1, residues 511-531): YLESKQFLHR[Asp521Glu]LAARNCLVND